The following is an entry in ClinVar:

NM_058216.3(RAD51C):c.304A>C (p.Thr102Pro)

Gene: RAD51C (RAD51 paralog C; plus strand). Cytogenetic location: 17q22.
Variant type: single nucleotide variant.
Coding change: c.304A>C on transcript NM_058216.3 (MANE Select); coding-DNA position 304, A replaced by C.
Protein change: p.Thr102Pro; replaces threonine 102 with proline.
Molecular consequence: missense variant. On other transcripts: non-coding transcript variant (2).
Genome position (GRCh38, 1-based): chr17:58,695,089, A>C. VCF-style: chr17-58695089-A-C. GRCh37 (hg19) VCF-style: chr17-56772450-A-C.
Other names: c.304A>C, p.Thr102Pro (NM_002876.4); short protein forms T102P.
Identifiers: ClinVar variation 3786495 (VCV003786495.1).

ClinVar aggregate classification (germline): Uncertain significance (1 of 4 stars; one submission).

Conditions:
Hereditary cancer-predisposing syndrome. Also called: Neoplastic Syndromes, Hereditary; Hereditary Cancer Syndrome; Tumor predisposition; Hereditary neoplastic syndrome. Identifiers: Orphanet 140162, MedGen C0027672, MeSH D009386, MONDO:0015356.

Submission:

Ambry Genetics
Classification: Uncertain significance for Hereditary cancer-predisposing syndrome. Last evaluated: 2025-02-25. Review status: criteria provided, single submitter. Criteria: Ambry Variant Classification Scheme 2023. Collection method: clinical testing. Allele origin: germline.
Comment: The p.T102P variant (also known as c.304A>C), located in coding exon 2 of the RAD51C gene, results from an A to C substitution at nucleotide position 304. The threonine at codon 102 is replaced by proline, an amino acid with highly similar properties. This amino acid position is highly conserved in available vertebrate species. In addition, this alteration is predicted to be deleterious by in silico analysis. Based on the available evidence, the clinical significance of this variant remains unclear.